The following is an entry in ClinVar:

ClinVar aggregate classification (germline): Uncertain significance (1 of 4 stars; one submission).

gnomAD v4.1: 2 of 1,613,784 alleles (0.00012%); no homozygotes.

Submission:

Labcorp Genetics (formerly Invitae), Labcorp
Classification: Uncertain significance. Last evaluated: 2024-10-24. Review status: criteria provided, single submitter. Criteria: Invitae Variant Classification Sherloc (09022015). Collection method: clinical testing. Allele origin: germline.
Comment: This sequence change replaces isoleucine, which is neutral and non-polar, with leucine, which is neutral and non-polar, at codon 1179 of the CHD8 protein (p.Ile1179Leu). This variant is not present in population databases (gnomAD no frequency). This variant has not been reported in the literature in individuals affected with CHD8-related conditions. Invitae Evidence Modeling of protein sequence and biophysical properties (such as structural, functional, and spatial information, amino acid conservation, physicochemical variation, residue mobility, and thermodynamic stability) indicates that this missense variant is not expected to disrupt CHD8 protein function with a negative predictive value of 95%. In summary, the available evidence is currently insufficient to determine the role of this variant in disease. Therefore, it has been classified as a Variant of Uncertain Significance.

NM_001170629.2(CHD8):c.3535A>C (p.Ile1179Leu)

Gene: CHD8 (chromodomain helicase DNA binding protein 8; minus strand). Cytogenetic location: 14q11.2.
Variant type: single nucleotide variant.
Coding change: c.3535A>C on transcript NM_001170629.2 (MANE Select); coding-DNA position 3535, A replaced by C.
Protein change: p.Ile1179Leu; replaces isoleucine 1179 with leucine.
Molecular consequence: missense variant.
Genome position (GRCh38, 1-based): chr14:21,403,196, T>G on the plus strand (A>C on the coding strand, the complement: CHD8 is on the minus strand). VCF-style: chr14-21403196-T-G. GRCh37 (hg19) VCF-style: chr14-21871355-T-G.
Other names: c.2698A>C, p.Ile900Leu (NM_020920.4); short protein forms I900L, I1179L.
Identifiers: ClinVar variation 2841598 (VCV002841598.3), dbSNP rs2501901072, ClinGen allele CA388900434.
Genomic context (GRCh38, chr14:21,403,196, plus strand): 5'-CAGGCTTGCTGAAGCGGTCAATGGCAGCCTGTCGAAGGTTGCCTCTAACTCGCCCATCAA[T>G]ACGTTCATATAAGTACCTGTATGGGAATCGCAGAAAAAAAATGTAAGTGGCTAAGCAGAA-3'
Protein context (NP_001164100.1, residues 1169-1189): LIQRRYLYER[Ile1179Leu]DGRVRGNLRQ